The following is an entry in ClinVar:

NM_003803.4(MYOM1):c.1353_1354del (p.Pro452fs)

Gene: MYOM1 (myomesin 1; minus strand). Cytogenetic location: 18p11.31.
Variant type: Microsatellite.
Coding change: c.1353_1354del on transcript NM_003803.4 (MANE Select); coding-DNA positions 1353 to 1354, 2 bases deleted (TC; older notation c.1353_1354delTC).
Protein change: p.Pro452fs; shifts the reading frame from proline 452.
Molecular consequence: frameshift variant.
Genome position (GRCh38, 1-based): chr18:3,164,425-3,164,426, GA deleted on the plus strand (TC on the coding strand, the reverse complement: MYOM1 is on the minus strand); deleting any 2 consecutive bases within chr18:3,164,425-3,164,428 gives the same sequence; the c. name uses the placement nearest the transcript's 3' end. VCF-style (leftmost placement, unchanged base first): chr18-3164424-GGA-G. GRCh37 (hg19) VCF-style: chr18-3164422-GGA-G.
Other names: c.1353_1354del, p.Pro452fs (NM_019856.2); short protein forms P452fs.
Identifiers: ClinVar variation 2879059 (VCV002879059.3), dbSNP rs1390887975, ClinGen allele CA778439545.

ClinVar aggregate classification (germline): Uncertain significance (1 of 4 stars; one submission).

Conditions:
Hypertrophic cardiomyopathy. Also called: HYPERTROPHIC MYOCARDIOPATHY. Identifiers: Orphanet 217569, MedGen C0007194, MeSH D002312, MONDO:0005045, HP:0001639.

Submission:

Labcorp Genetics (formerly Invitae), Labcorp
Classification: Uncertain significance for Hypertrophic cardiomyopathy. Last evaluated: 2023-05-22. Review status: criteria provided, single submitter. Criteria: Invitae Variant Classification Sherloc (09022015). Collection method: clinical testing. Allele origin: germline.
Comment: This sequence change creates a premature translational stop signal (p.Pro452Ilefs*25) in the MYOM1 gene. It is expected to result in an absent or disrupted protein product. However, the current clinical and genetic evidence is not sufficient to establish whether loss-of-function variants in MYOM1 cause disease. This variant is not present in population databases (gnomAD no frequency). This variant has not been reported in the literature in individuals affected with MYOM1-related conditions. In summary, the available evidence is currently insufficient to determine the role of this variant in disease. Therefore, it has been classified as a Variant of Uncertain Significance.